The following is an entry in ClinVar:

NM_032656.4(DHX37):c.1938C>T (p.Tyr646=)

Gene: DHX37 (DEAH-box helicase 37; minus strand). Cytogenetic location: 12q24.31.
Variant type: single nucleotide variant.
Coding change: c.1938C>T on transcript NM_032656.4 (MANE Select); coding-DNA position 1938, C replaced by T.
Protein change: p.Tyr646=; no amino-acid change (tyrosine 646 retained).
Molecular consequence: synonymous variant.
Genome position (GRCh38, 1-based): chr12:124,964,501, G>A on the plus strand (C>T on the coding strand, the complement: DHX37 is on the minus strand). VCF-style: chr12-124964501-G-A. GRCh37 (hg19) VCF-style: chr12-125449047-G-A.
Identifiers: ClinVar variation 2161304 (VCV002161304.5), dbSNP rs561296913, ClinGen allele CA6871826.

ClinVar aggregate classification (germline): Likely benign. Review status: criteria provided, multiple submitters, no conflicts (2 of 4 stars). 2 submissions from 2 submitters: Likely benign (2). Last evaluated 2026-09-01.

Allele frequency attached by ClinVar (database versions not stated): ExAC 0.00001; gnomAD 0.00001; gnomAD exomes 0.00001; TOPMed 0.00002; 1000 Genomes Project 30x 0.00016; 1000 Genomes Project 0.00020.
gnomAD v4.1: 10 of 1,614,198 alleles (0.00062%); highest among the groups gnomAD compares: East Asian, 0.0022%; no homozygotes.

Submissions (2):

CeGaT Center for Human Genetics Tuebingen
Classification: Likely benign. Last evaluated: 2026-09-01. Review status: criteria provided, single submitter. Criteria: CeGaT Center For Human Genetics Tuebingen Variant Classification Criteria Version 2. Collection method: clinical testing. Allele origin: germline. Affected: yes. Observed: 1 variant allele.
Comment: DHX37: BP4, BP7

Labcorp Genetics (formerly Invitae), Labcorp
Classification: Likely benign. Last evaluated: 2024-02-20. Review status: criteria provided, single submitter. Criteria: Invitae Variant Classification Sherloc (09022015). Collection method: clinical testing. Allele origin: germline.